The following is an entry in ClinVar:

ClinVar aggregate classification (germline): Uncertain significance (1 of 4 stars; one submission).

Conditions:
Febrile seizures, familial, 8 (FEB8). Also called: CONVULSIONS, FAMILIAL FEBRILE, 8. Identifiers: Orphanet 36387, MedGen C1969810, MONDO:0011891, OMIM 607681.
EPILEPSY, CHILDHOOD ABSENCE, SUSCEPTIBILITY TO, 2 (ECA2). Identifiers: Orphanet 64280, MedGen C1843244, OMIM 607681.

Submission:

Labcorp Genetics (formerly Invitae), Labcorp
Classification: Uncertain significance for Febrile seizures, familial, 8; EPILEPSY, CHILDHOOD ABSENCE, SUSCEPTIBILITY TO, 2. Last evaluated: 2020-12-04. Review status: criteria provided, single submitter. Criteria: Invitae Variant Classification Sherloc (09022015). Collection method: clinical testing. Allele origin: germline.
Comment: In summary, the available evidence is currently insufficient to determine the role of this variant in disease. Therefore, it has been classified as a Variant of Uncertain Significance. Advanced modeling of protein sequence and biophysical properties (such as structural, functional, and spatial information, amino acid conservation, physicochemical variation, residue mobility, and thermodynamic stability) performed at Invitae indicates that this missense variant is expected to disrupt GABRG2 protein function. This variant has not been reported in the literature in individuals with GABRG2-related conditions. This variant is not present in population databases (ExAC no frequency). This sequence change replaces phenylalanine with serine at codon 418 of the GABRG2 protein (p.Phe418Ser). The phenylalanine residue is moderately conserved and there is a large physicochemical difference between phenylalanine and serine.

NM_198904.4(GABRG2):c.1277T>C (p.Phe426Ser)

Gene: GABRG2 (gamma-aminobutyric acid type A receptor subunit gamma2; plus strand). Cytogenetic location: 5q34.
Variant type: single nucleotide variant.
Coding change: c.1277T>C on transcript NM_198904.4 (MANE Select); coding-DNA position 1277, T replaced by C.
Protein change: p.Phe426Ser; replaces phenylalanine 426 with serine.
Molecular consequence: missense variant. On other transcripts: 3 prime UTR variant (1).
Genome position (GRCh38, 1-based): chr5:162,153,217, T>C. VCF-style: chr5-162153217-T-C. GRCh37 (hg19) VCF-style: chr5-161580223-T-C.
Other names: c.1253T>C, p.Phe418Ser (NM_000816.3); c.1268T>C, p.Phe423Ser (NM_001375339.1); c.*111T>C (NM_001375340.1); c.1274T>C, p.Phe425Ser (NM_001375341.1); c.1250T>C, p.Phe417Ser (NM_001375342.1); c.1373T>C, p.Phe458Ser (NM_001375343.1); c.1316T>C, p.Phe439Ser (NM_001375344.1); c.1187T>C, p.Phe396Ser (NM_001375345.1); and 6 more; short protein forms F466S, F286S, F404S, F417S, F418S, F423S, F323S, F397S.
Identifiers: ClinVar variation 1396664 (VCV001396664.8), dbSNP rs2113650980, ClinGen allele CA362183621.